The following is an entry in ClinVar:

NC_000014.8:g.(?_58724443)_(58730508_?)dup

Gene: PSMA3 (proteasome 20S subunit alpha 3; plus strand). Cytogenetic location: 14q23.1.
Variant type: Duplication.
Identifiers: ClinVar variation 3244081 (VCV003244081.1).

ClinVar aggregate classification (germline): Uncertain significance (1 of 4 stars; one submission).

Submission:

Labcorp Genetics (formerly Invitae), Labcorp
Classification: Uncertain significance. Last evaluated: 2023-05-16. Review status: criteria provided, single submitter. Criteria: Invitae Variant Classification Sherloc (09022015). Collection method: clinical testing. Allele origin: unknown.
Comment: This variant results in a copy number gain of the genomic region encompassing exon(s) 4-7 of the PSMA3 gene. While the exact position of this variant cannot be determined from the data, sub-genic copy number gains are generally in tandem (PMID: 25640679). This variant is predicted to be in-frame, and likely preserves the integrity of the reading frame. In summary, the available evidence is currently insufficient to determine the role of this variant in disease. Therefore, it has been classified as a Variant of Uncertain Significance. Experimental studies and prediction algorithms are not available or were not evaluated, and the functional significance of this variant is currently unknown. This variant has not been reported in the literature in individuals affected with PSMA3-related conditions.

Literature cited by the submitters: PubMed 25640679.